The following is an entry in ClinVar:

ClinVar aggregate classification (germline): Likely benign (0 of 4 stars; one submission).

Conditions:
F13A1-related disorder. Also called: F13A1-related condition.

Submission:

PreventionGenetics, part of Exact Sciences
Classification: Likely benign for F13A1-related condition. Last evaluated: 2019-02-20. Review status: no assertion criteria provided. Collection method: clinical testing. Allele origin: germline.
Comment: This variant is classified as likely benign based on ACMG/AMP sequence variant interpretation guidelines (Richards et al. 2015 PMID: 25741868, with internal and published modifications).

NM_000129.4(F13A1):c.633G>T (p.Gly211=)

Gene: F13A1 (coagulation factor XIII A chain; minus strand). Cytogenetic location: 6p25.1.
Variant type: single nucleotide variant.
Coding change: c.633G>T on transcript NM_000129.4 (MANE Select); coding-DNA position 633, G replaced by T.
Protein change: p.Gly211=; no amino-acid change (glycine 211 retained).
Molecular consequence: synonymous variant.
Genome position (GRCh38, 1-based): chr6:6,250,868, C>A on the plus strand (G>T on the coding strand, the complement: F13A1 is on the minus strand). VCF-style: chr6-6250868-C-A. GRCh37 (hg19) VCF-style: chr6-6251101-C-A.
Identifiers: ClinVar variation 3058069 (VCV003058069.2), dbSNP rs2480652070, ClinGen allele CA448645996.